The following is an entry in ClinVar:

ClinVar aggregate classification (germline): Uncertain significance. Review status: criteria provided, multiple submitters, no conflicts (2 of 4 stars). 3 submissions from 3 submitters: Uncertain significance (3). Last evaluated 2025-06-25.

Conditions:
Inborn genetic diseases. Identifiers: MedGen C0950123, MeSH D030342.

Allele frequency attached by ClinVar (database versions not stated): ExAC 0.00001; gnomAD 0.00001; TOPMed 0.00003.
gnomAD v4.1: 2 of 1,613,722 alleles (0.00012%); highest among the groups gnomAD compares: African/African-American, 0.0027%; no homozygotes.

Submissions (3):

GeneDx
Classification: Uncertain significance. Last evaluated: 2025-06-25. Review status: criteria provided, single submitter. Criteria: GeneDx Variant Classification Process June 2021. Collection method: clinical testing. Allele origin: germline. Affected: yes.
Comment: Not observed at significant frequency in large population cohorts (gnomAD); In silico analysis suggests that this missense variant does not alter protein structure/function; Has not been previously published as pathogenic or benign to our knowledge

Ambry Genetics
Classification: Uncertain significance for Inborn genetic diseases. Last evaluated: 2023-10-24. Review status: criteria provided, single submitter. Criteria: Ambry Variant Classification Scheme 2023. Collection method: clinical testing. Allele origin: germline.

Labcorp Genetics (formerly Invitae), Labcorp
Classification: Uncertain significance. Last evaluated: 2022-11-08. Review status: criteria provided, single submitter. Criteria: Invitae Variant Classification Sherloc (09022015). Collection method: clinical testing. Allele origin: germline.
Comment: This sequence change replaces isoleucine, which is neutral and non-polar, with valine, which is neutral and non-polar, at codon 480 of the MYO3A protein (p.Ile480Val). In summary, the available evidence is currently insufficient to determine the role of this variant in disease. Therefore, it has been classified as a Variant of Uncertain Significance. Advanced modeling of protein sequence and biophysical properties (such as structural, functional, and spatial information, amino acid conservation, physicochemical variation, residue mobility, and thermodynamic stability) has been performed at Invitae for this missense variant, however the output from this modeling did not meet the statistical confidence thresholds required to predict the impact of this variant on MYO3A protein function. This variant has not been reported in the literature in individuals affected with MYO3A-related conditions. This variant is present in population databases (rs770037119, gnomAD 0.007%).

NM_017433.5(MYO3A):c.1438A>G (p.Ile480Val)

Gene: MYO3A (myosin IIIA; plus strand). Cytogenetic location: 10p12.1.
Variant type: single nucleotide variant.
Coding change: c.1438A>G on transcript NM_017433.5 (MANE Select); coding-DNA position 1438, A replaced by G.
Protein change: p.Ile480Val; replaces isoleucine 480 with valine.
Molecular consequence: missense variant.
Genome position (GRCh38, 1-based): chr10:26,088,281, A>G. VCF-style: chr10-26088281-A-G. GRCh37 (hg19) VCF-style: chr10-26377210-A-G.
Other names: c.1438A>G (NM_017433.4); short protein forms I480V.
Identifiers: ClinVar variation 2178436 (VCV002178436.6), dbSNP rs770037119, ClinGen allele CA5444670.
Genomic context (GRCh38, chr10:26,088,281, plus strand): 5'-CAAGAGAAGATTTTACAAGTGAACAATTTGGTAGAAGCCTTTGGCAATGCCTGCACTATT[A>G]TAAATGACAATTCTAGCAGATTTGGAAAATACTTAGAAATGAAATTCACCTCTTCTGGAG-3'
Protein context (NP_059129.3, residues 470-490): VEAFGNACTI[Ile480Val]NDNSSRFGKY